The following is an entry in ClinVar:

ClinVar aggregate classification (germline): Uncertain significance (1 of 4 stars; one submission).

Conditions:
Developmental delay with autism spectrum disorder and gait instability (MRT38). Also called: Intellectual developmental disorder, autosomal recessive 38. Identifiers: Orphanet 329195, MedGen C3809753, MONDO:0014224, OMIM 615516.

gnomAD v4.1: 6 of 1,613,868 alleles (0.00037%); highest among the groups gnomAD compares: Non-Finnish European, 0.00051%; no homozygotes.

Submission:

Clinical Genomics Laboratory, Washington University in St. Louis
Classification: Uncertain significance for Developmental delay with autism spectrum disorder and gait instability. Last evaluated: 2026-02-22. Review status: criteria provided, single submitter. Criteria: ACMG Guidelines, 2015. Collection method: clinical testing. Allele origin: germline.
Comment: The HERC2 c.3573A>G (p.Ile1191Met) variant, to our knowledge, has not been reported in the medical literature. This variant is only observed in 2/249,474 alleles in the general population (gnomAD v2.1.1), indicating it is not a common variant. Computational predictors are uncertain as to the impact of this variant on HERC2 function. Due to limited information, and based on ACMG/AMP guidelines for variant interpretation (Richards S et al., PMID: 25741868), the clinical significance of this variant is uncertain at this time.

NM_004667.6(HERC2):c.3573A>G (p.Ile1191Met)

Gene: HERC2 (HECT and RLD domain containing E3 ubiquitin protein ligase 2; minus strand). Cytogenetic location: 15q13.1.
Variant type: single nucleotide variant.
Coding change: c.3573A>G on transcript NM_004667.6 (MANE Select); coding-DNA position 3573, A replaced by G.
Protein change: p.Ile1191Met; replaces isoleucine 1191 with methionine.
Molecular consequence: missense variant.
Genome position (GRCh38, 1-based): chr15:28,245,885, T>C on the plus strand (A>G on the coding strand, the complement: HERC2 is on the minus strand). VCF-style: chr15-28245885-T-C. GRCh37 (hg19) VCF-style: chr15-28491031-T-C.
Other names: short protein forms I1191M.
Identifiers: ClinVar variation 4879239 (VCV004879239.1).